The following is an entry in ClinVar:

ClinVar aggregate classification (germline): Uncertain significance (1 of 4 stars; one submission).

Conditions:
Chuvash polycythemia. Also called: POLYCYTHEMIA, VHL-DEPENDENT. Identifiers: Orphanet 238557, MedGen C1837915, MONDO:0009892, OMIM 263400.
Von Hippel-Lindau syndrome (VHLS). Also called: VHL syndrome; von Hippel–Lindau syndrome; Von Hippel-Lindau. Identifiers: Orphanet 892, MedGen C0019562, MONDO:0008667, OMIM 193300. Disease mechanism: loss of function.

Submission:

Labcorp Genetics (formerly Invitae), Labcorp
Classification: Uncertain significance for Von Hippel-Lindau syndrome; Chuvash polycythemia. Last evaluated: 2024-07-09. Review status: criteria provided, single submitter. Criteria: Invitae Variant Classification Sherloc (09022015). Collection method: clinical testing. Allele origin: germline.
Comment: This sequence change replaces asparagine, which is neutral and polar, with aspartic acid, which is acidic and polar, at codon 90 of the VHL protein (p.Asn90Asp). This variant is not present in population databases (gnomAD no frequency). This variant has not been reported in the literature in individuals affected with VHL-related conditions. Advanced modeling of protein sequence and biophysical properties (such as structural, functional, and spatial information, amino acid conservation, physicochemical variation, residue mobility, and thermodynamic stability) performed at Invitae indicates that this missense variant is expected to disrupt VHL protein function with a positive predictive value of 95%. This variant disrupts the p.Asn90 amino acid residue in VHL. Other variant(s) that disrupt this residue have been determined to be pathogenic (PMID: 10761708, 10823831, 27527340, 31317677, 36401171). This suggests that this residue is clinically significant, and that variants that disrupt this residue are likely to be disease-causing. In summary, the available evidence is currently insufficient to determine the role of this variant in disease. Therefore, it has been classified as a Variant of Uncertain Significance.

Literature cited by the submitters: PubMed 10761708; PubMed 10823831; PubMed 27527340; PubMed 31317677; PubMed 36401171.

NM_000551.4(VHL):c.268A>G (p.Asn90Asp)

Gene: VHL (von Hippel-Lindau tumor suppressor; plus strand). Cytogenetic location: 3p25.3.
Variant type: single nucleotide variant.
Coding change: c.268A>G on transcript NM_000551.4 (MANE Select); coding-DNA position 268, A replaced by G.
Protein change: p.Asn90Asp; replaces asparagine 90 with aspartic acid.
Molecular consequence: missense variant. On other transcripts: non-coding transcript variant (1).
Genome position (GRCh38, 1-based): chr3:10,142,115, A>G. VCF-style: chr3-10142115-A-G. GRCh37 (hg19) VCF-style: chr3-10183799-A-G.
Other names: c.268A>G, p.Asn90Asp (NM_001354723.2, NM_198156.3); short protein forms N90D.
Identifiers: ClinVar variation 3753896 (VCV003753896.2).